The following is an entry in ClinVar:

NM_006623.4(PHGDH):c.595C>G (p.Leu199Val)

Gene: PHGDH (phosphoglycerate dehydrogenase; plus strand). Cytogenetic location: 1p12.
Variant type: single nucleotide variant.
Coding change: c.595C>G on transcript NM_006623.4 (MANE Select); coding-DNA position 595, C replaced by G.
Protein change: p.Leu199Val; replaces leucine 199 with valine.
Molecular consequence: missense variant.
Genome position (GRCh38, 1-based): chr1:119,734,718, C>G. VCF-style: chr1-119734718-C-G. GRCh37 (hg19) VCF-style: chr1-120277341-C-G.
Other names: p.Leu199Val; short protein forms L199V.
Identifiers: ClinVar variation 536421 (VCV000536421.24), dbSNP rs77632964, ClinGen allele CA1037150.

ClinVar aggregate classification (germline): Benign/Likely benign. Review status: criteria provided, multiple submitters, no conflicts (2 of 4 stars). 8 submissions from 7 submitters: Benign (4); Likely benign (3). 1 of the submissions does not count toward it. Last evaluated 2026-02-03.

Conditions:
PHGDH-related disorder. Also called: PHGDH-related condition.
Neu-Laxova syndrome 1 (NLS1). Identifiers: Orphanet 2671, Orphanet 583607, MedGen C4551478, MONDO:0009736, OMIM 256520. Disease mechanism: loss of function.
PHGDH deficiency. Identifiers: Orphanet 79351, MedGen C1866174, MONDO:0011152, OMIM 601815.

Allele frequency attached by ClinVar (database versions not stated): gnomAD exomes 0.00059; gnomAD 0.00579 and 0.00622; 1000 Genomes Project 0.00639; TOPMed 0.00645; 1000 Genomes Project 30x 0.00656; ESP Exome Variant Server 0.00738.
gnomAD v4.1: 1,763 of 1,614,162 alleles (0.11%); highest among the groups gnomAD compares: African/African-American, 2.1%; 22 homozygotes.

Submissions (8):

Labcorp Genetics (formerly Invitae), Labcorp
Classification: Benign for PHGDH deficiency. Last evaluated: 2026-02-03. Review status: criteria provided, single submitter. Criteria: Invitae Variant Classification Sherloc (09022015). Collection method: clinical testing. Allele origin: germline.

GeneDx
Classification: Likely benign. Last evaluated: 2024-06-03. Review status: criteria provided, single submitter. Criteria: GeneDx Variant Classification Process June 2021. Collection method: clinical testing. Allele origin: germline. Affected: yes.
Comment: See Variant Classification Assertion Criteria.

Genome-Nilou Lab
Classification: Likely benign for Neu-Laxova syndrome 1. Last evaluated: 2023-04-11. Review status: criteria provided, single submitter. Criteria: ACMG Guidelines, 2015. Collection method: clinical testing. Allele origin: germline. Affected: no.

Genome-Nilou Lab
Classification: Likely benign for PHGDH deficiency. Last evaluated: 2023-04-11. Review status: criteria provided, single submitter. Criteria: ACMG Guidelines, 2015. Collection method: clinical testing. Allele origin: germline. Affected: no.

Mayo Clinic Laboratories, Mayo Clinic
Classification: Benign. Last evaluated: 2018-12-10. Review status: criteria provided, single submitter. Criteria: ACMG Guidelines, 2015. Collection method: clinical testing. Allele origin: germline. Observed: 6 variant alleles.

Athena Diagnostics
Classification: Benign. Last evaluated: 2018-05-15. Review status: criteria provided, single submitter. Criteria: Athena Diagnostics Criteria. Collection method: clinical testing. Allele origin: germline.

Illumina Laboratory Services, Illumina
Classification: Benign for PHGDH deficiency. Last evaluated: 2018-01-13. Review status: criteria provided, single submitter. Criteria: ICSL Variant Classification Criteria 13 December 2019. Collection method: clinical testing. Allele origin: germline.
Comment: This variant was observed in the ICSL laboratory as part of a predisposition screen in an ostensibly healthy population. It had not been previously curated by ICSL or reported in the Human Gene Mutation Database (HGMD: prior to June 1st, 2018), and was therefore a candidate for classification through an automated scoring system. Utilizing variant allele frequency, disease prevalence and penetrance estimates, and inheritance mode, an automated score was calculated to assess if this variant is too frequent to cause the disease. Based on the score and internal cut-off values, a variant classified as benign is not then subjected to further curation. The score for this variant resulted in a classification of benign for this disease.

PreventionGenetics, part of Exact Sciences
Classification: Benign for PHGDH-related condition. Last evaluated: 2021-06-30. Review status: no assertion criteria provided. Collection method: clinical testing. Allele origin: germline. Not counted in ClinVar's aggregate classification.
Comment: This variant is classified as benign based on ACMG/AMP sequence variant interpretation guidelines (Richards et al. 2015 PMID: 25741868, with internal and published modifications).